The following is an entry in ClinVar:

NM_000350.3(ABCA4):c.5196+1211A>C

Gene: ABCA4 (ATP binding cassette subfamily A member 4; minus strand). Cytogenetic location: 1p22.1.
Variant type: single nucleotide variant.
Coding change: c.5196+1211A>C on transcript NM_000350.3 (MANE Select); 1211 bases into the intron after coding-DNA position 5196, A replaced by C.
Molecular consequence: intron variant.
Genome position (GRCh38, 1-based): chr1:94,018,371, T>G on the plus strand (A>C on the coding strand, the complement: ABCA4 is on the minus strand). VCF-style: chr1-94018371-T-G. GRCh37 (hg19) VCF-style: chr1-94483927-T-G.
Other names: c.4974+1211A>C (NM_001425324.1).
Identifiers: ClinVar variation 4856050 (VCV004856050.1).

ClinVar aggregate classification (germline): Uncertain significance (1 of 4 stars; one submission).

Conditions:
ABCA4-related disorder. Also called: ABCA4-related condition; ABCA4-related disorders. Identifiers: MedGen CN239167.

gnomAD v4.1: 7 of 152,390 alleles (0.0046%); highest among the groups gnomAD compares: East Asian, 0.077%; no homozygotes.

Submission:

3billion
Classification: Uncertain significance for ABCA4-related disorder. Last evaluated: 2025-12-15. Review status: criteria provided, single submitter. Criteria: ACMG Guidelines, 2015. Collection method: clinical testing. Allele origin: germline. Affected: yes.
Comment: The variant is observed at an extremely low frequency in the gnomAD v4.1.0 dataset (total allele frequency: 0.005%). Predicted Consequence/Location: Intron variant In silico tools predict the variant to alter splicing and produce an abnormal transcript [SpliceAI: 0.25 (>=0.2, moderate evidence for spliceogenicity)]. Therefore, this variant is classified as VUS according to the recommendation of ACMG/AMP guideline.